The following is an entry in ClinVar:

NM_003070.5(SMARCA2):c.2910G>A (p.Met970Ile)

Gene: SMARCA2 (SWI/SNF related BAF chromatin remodeling complex subunit ATPase 2; plus strand). Cytogenetic location: 9p24.3.
Variant type: single nucleotide variant.
Coding change: c.2910G>A on transcript NM_003070.5 (MANE Select); coding-DNA position 2910, G replaced by A.
Protein change: p.Met970Ile; replaces methionine 970 with isoleucine.
Molecular consequence: missense variant.
Genome position (GRCh38, 1-based): chr9:2,096,683, G>A. VCF-style: chr9-2096683-G-A. GRCh37 (hg19) VCF-style: chr9-2096683-G-A.
Other names: c.2910G>A, p.Met970Ile (NM_001289396.2, NM_139045.4); c.2736G>A, p.Met912Ile (NM_001289397.2); short protein forms M912I, M970I.
Identifiers: ClinVar variation 3235180 (VCV003235180.1), dbSNP rs2537363521.

ClinVar aggregate classification (germline): Uncertain significance (1 of 4 stars; one submission).

Conditions:
Nicolaides-Baraitser syndrome (NCBRS). Also called: SMARCA2-Related Nicolaides-Baraitser Syndrome; Intellectual disability-sparse hair-brachydactyly syndrome. Identifiers: Orphanet 3051, MedGen C1303073, MONDO:0011053, OMIM 601358.

gnomAD v4.1: 1 of 1,613,574 alleles (0.000062%); highest among the groups gnomAD compares: Non-Finnish European, 0.000085%; no homozygotes.

Submission:

MVZ Medizinische Genetik Mainz
Classification: Uncertain significance for Nicolaides-Baraitser syndrome. Last evaluated: 2022-08-03. Review status: criteria provided, single submitter. Criteria: UK Practice Guidelines For Variant Classification V4 01 2020. Collection method: clinical testing. Allele origin: germline. Inheritance: Autosomal dominant inheritance. Affected: yes. Observed: 1 variant allele.
Comment: ACMG Criteria: PM2_SUP, PP2, PP3